The following is an entry in ClinVar:

NM_003072.5(SMARCA4):c.1680C>T (p.Tyr560=)

Gene: SMARCA4 (SWI/SNF related BAF chromatin remodeling complex subunit ATPase 4; plus strand). Cytogenetic location: 19p13.2.
Variant type: single nucleotide variant.
Coding change: c.1680C>T on transcript NM_003072.5 (MANE Select); coding-DNA position 1680, C replaced by T.
Protein change: p.Tyr560=; no amino-acid change (tyrosine 560 retained).
Molecular consequence: synonymous variant. On other transcripts: non-coding transcript variant (1).
Genome position (GRCh38, 1-based): chr19:10,996,299, C>T. VCF-style: chr19-10996299-C-T. GRCh37 (hg19) VCF-style: chr19-11106975-C-T.
Other names: c.1680C>T, p.Tyr560= (NM_001128844.3, NM_001128845.2, NM_001128846.2 and 5 more transcripts).
Identifiers: ClinVar variation 470253 (VCV000470253.43), dbSNP rs375507937, ClinGen allele CA9203852.

ClinVar aggregate classification (germline): Benign/Likely benign. Review status: criteria provided, multiple submitters, no conflicts (2 of 4 stars). 7 submissions from 7 submitters: Benign (1); Likely benign (5). 1 of the submissions does not count toward it. Last evaluated 2026-07-10.

Conditions:
SMARCA4-related disorder. Also called: SMARCA4-related condition.
Rhabdoid tumor predisposition syndrome 2 (RTPS2). Identifiers: Orphanet 231108, Orphanet 69077, MedGen C2750074, MONDO:0013224, OMIM 613325.
Hereditary cancer-predisposing syndrome. Also called: Hereditary Cancer Syndrome; Hereditary neoplastic syndrome; Neoplastic Syndromes, Hereditary; Tumor predisposition. Identifiers: Orphanet 140162, MedGen C0027672, MeSH D009386, MONDO:0015356.

Allele frequency attached by ClinVar (database versions not stated): gnomAD exomes below 0.00001 and 0.00001; TOPMed 0.00002; gnomAD 0.00001; ESP Exome Variant Server 0.00008; ExAC 0.00001.
gnomAD v4.1: 11 of 1,614,098 alleles (0.00068%); highest among the groups gnomAD compares: African/African-American, 0.0027%; no homozygotes.

Submissions (7):

Myriad Genetics, Inc.
Classification: Benign for Rhabdoid tumor predisposition syndrome 2. Last evaluated: 2026-07-10. Review status: criteria provided, single submitter. Criteria: Myriad Autosomal Dominant, Autosomal Recessive and X-Linked Classification Criteria (2023). Collection method: clinical testing. Allele origin: unknown.
Comment: This variant is considered benign. This variant is a silent/synonymous amino acid change and it is not expected to impact splicing.

Labcorp Genetics (formerly Invitae), Labcorp
Classification: Likely benign for Rhabdoid tumor predisposition syndrome 2. Last evaluated: 2026-01-16. Review status: criteria provided, single submitter. Criteria: Invitae Variant Classification Sherloc (09022015). Collection method: clinical testing. Allele origin: germline.

CeGaT Center for Human Genetics Tuebingen
Classification: Likely benign. Last evaluated: 2025-08-01. Review status: criteria provided, single submitter. Criteria: CeGaT Center For Human Genetics Tuebingen Variant Classification Criteria Version 2. Collection method: clinical testing. Allele origin: germline. Affected: yes. Observed: 2 variant alleles.
Comment: SMARCA4: BP4, BP7

Sema4
Classification: Likely benign for Hereditary cancer-predisposing syndrome. Last evaluated: 2022-02-11. Review status: criteria provided, single submitter. Criteria: Sema4 Curation Guidelines. Collection method: curation. Allele origin: germline.

Blueprint Genetics
Classification: Likely benign. Last evaluated: 2021-11-04. Review status: criteria provided, single submitter. Criteria: ACMG Guidelines, 2015. Collection method: clinical testing. Allele origin: germline.

Ambry Genetics
Classification: Likely benign for Hereditary cancer-predisposing syndrome. Last evaluated: 2015-07-14. Review status: criteria provided, single submitter. Criteria: Ambry Variant Classification Scheme 2023. Collection method: clinical testing. Allele origin: germline.

PreventionGenetics, part of Exact Sciences
Classification: Likely benign for SMARCA4-related condition. Last evaluated: 2019-04-05. Review status: no assertion criteria provided. Collection method: clinical testing. Allele origin: germline. Not counted in ClinVar's aggregate classification.
Comment: This variant is classified as likely benign based on ACMG/AMP sequence variant interpretation guidelines (Richards et al. 2015 PMID: 25741868, with internal and published modifications).